The following is an entry in ClinVar:

ClinVar aggregate classification (germline): Pathogenic (1 of 4 stars; one submission).

Conditions:
Hereditary cancer-predisposing syndrome. Also called: Hereditary Cancer Syndrome; Tumor predisposition; Hereditary neoplastic syndrome; Neoplastic Syndromes, Hereditary. Identifiers: Orphanet 140162, MedGen C0027672, MeSH D009386, MONDO:0015356.

Submission:

Ambry Genetics
Classification: Pathogenic for Hereditary cancer-predisposing syndrome. Last evaluated: 2024-05-21. Review status: criteria provided, single submitter. Criteria: Ambry Variant Classification Scheme 2023. Collection method: clinical testing. Allele origin: germline.
Comment: The c.3980delA pathogenic mutation, located in coding exon 9 of the BRCA1 gene, results from a deletion of one nucleotide at nucleotide position 3980, causing a translational frameshift with a predicted alternate stop codon (p.Q1327Rfs*9). This variant is considered to be rare based on population cohorts in the Genome Aggregation Database (gnomAD). This alteration is expected to result in loss of function by premature protein truncation or nonsense-mediated mRNA decay. As such, this alteration is interpreted as a disease-causing mutation.

NM_007294.4(BRCA1):c.3980del (p.Gln1327fs)

Genes: BRCA1 (BRCA1 DNA repair associated; minus strand), LOC126862571 (BRD4-independent group 4 enhancer GRCh37_chr17:41243136-41244335; plus strand). Cytogenetic location: 17q21.31.
Variant type: Deletion.
Coding change: c.3980del on transcript NM_007294.4 (MANE Select); coding-DNA position 3980, one base deleted (A; older notation c.3980delA).
Protein change: p.Gln1327fs; shifts the reading frame from glutamine 1327.
Molecular consequence: frameshift variant. On other transcripts: intron variant (135).
Genome position (GRCh38, 1-based): chr17:43,091,551, T deleted on the plus strand (A on the coding strand, the reverse complement: BRCA1 is on the minus strand). VCF-style (leftmost placement, unchanged base first): chr17-43091550-CT-C. GRCh37 (hg19) VCF-style: chr17-41243567-CT-C.
Other names: c.3767del, p.Gln1256fs (NM_001407571.1, NM_001407894.1, NM_001407895.1 and 9 more transcripts); c.3770del, p.Gln1257fs (NM_001407900.1, NM_001407902.1, NM_001407904.1 and 13 more transcripts); c.3857del, p.Gln1286fs (NM_001407919.1, NM_001407937.1, NM_001407938.1 and 19 more transcripts); c.3716del, p.Gln1239fs (NM_001407920.1, NM_001407921.1, NM_001407922.1 and 9 more transcripts); c.3713del, p.Gln1238fs (NM_001407930.1, NM_001407931.1, NM_001407932.1 and 2 more transcripts); c.3854del, p.Gln1285fs (NM_001407940.1, NM_001407941.1, NM_001407649.1 and 11 more transcripts); c.3839del, p.Gln1280fs (NM_001407942.1, NM_001407944.1, NM_001407945.1 and 29 more transcripts); c.3836del, p.Gln1279fs (NM_001407943.1, NM_001407964.1, NM_001407740.1 and 20 more transcripts); and 41 more; short protein forms Q1280fs, Q1327fs, Q1199fs, Q1215fs, Q1257fs, Q1286fs, Q1301fs, Q1326fs.
Identifiers: ClinVar variation 3261481 (VCV003261481.1).